The following is an entry in ClinVar:

ClinVar aggregate classification (germline): Uncertain significance. Review status: criteria provided, multiple submitters, no conflicts (2 of 4 stars). 4 submissions from 4 submitters: Uncertain significance (4). Last evaluated 2026-06-06.

Conditions:
Hypertrophic cardiomyopathy 26. Also called: Cardiomyopathy, familial hypertrophic, 26. Identifiers: Orphanet 75249, MedGen C4310749, MONDO:0014883, OMIM 617047.
Distal myopathy with posterior leg and anterior hand involvement. Also called: WILLIAMS DISTAL MYOPATHY. Identifiers: Orphanet 63273, MedGen C3279722, MONDO:0013550, OMIM 614065.
Myofibrillar myopathy 5. Also called: Filaminopathy (type); FILAMINOPATHY, AUTOSOMAL DOMINANT. Identifiers: Orphanet 171445, MedGen C1836050, MONDO:0012289, OMIM 609524.
FLNC-related disorder. Also called: FLNC-related condition; FLNC-related disorders.
Cardiovascular phenotype. Identifiers: MedGen CN230736.

Allele frequency attached by ClinVar (database versions not stated): gnomAD exomes 0.00001; gnomAD 0.00002; TOPMed 0.00003.
gnomAD v4.1: 47 of 1,475,846 alleles (0.0032%); highest among the groups gnomAD compares: Non-Finnish European, 0.0038%; no homozygotes.

Submissions (4):

PreventionGenetics, part of Exact Sciences
Classification: Uncertain significance for FLNC-related condition. Last evaluated: 2026-06-06. Review status: criteria provided, single submitter. Criteria: ACMG Guidelines, 2015. Collection method: clinical testing. Allele origin: germline.
Comment: The FLNC c.2389+5G>A variant is predicted to interfere with splicing. This variant is predicted to impact splicing based on splicing prediction programs (SpliceAI, Jaganathan K, et al. 2019. PubMed ID: 30661751). However, the use of computer prediction programs is not equivalent to functional evidence. To our knowledge, this variant has not been reported in the literature. This variant is reported in 0.0083% of alleles in individuals of East Asian descent in gnomAD and is interpreted as uncertain in ClinVar (Variation ID: 968138). At this time, the clinical significance of this variant is uncertain due to the absence of conclusive functional and genetic evidence.

Labcorp Genetics (formerly Invitae), Labcorp
Classification: Uncertain significance for Distal myopathy with posterior leg and anterior hand involvement; Myofibrillar myopathy 5; Hypertrophic cardiomyopathy 26. Last evaluated: 2025-11-25. Review status: criteria provided, single submitter. Criteria: Invitae Variant Classification Sherloc (09022015). Collection method: clinical testing. Allele origin: germline.
Comment: This sequence change falls in intron 15 of the FLNC gene. It does not directly change the encoded amino acid sequence of the FLNC protein. It affects a nucleotide within the consensus splice site. The frequency data for this variant in the population databases is considered unreliable, as metrics indicate poor data quality at this position in the gnomAD database. This variant has not been reported in the literature in individuals affected with FLNC-related conditions. ClinVar contains an entry for this variant (Variation ID: 968138). Variants that disrupt the consensus splice site are a relatively common cause of aberrant splicing (PMID: 17576681, 9536098). Algorithms developed to predict the effect of sequence changes on RNA splicing suggest that this variant is not likely to affect RNA splicing. In summary, the available evidence is currently insufficient to determine the role of this variant in disease. Therefore, it has been classified as a Variant of Uncertain Significance.

Ambry Genetics
Classification: Uncertain significance for Cardiovascular phenotype. Last evaluated: 2025-03-20. Review status: criteria provided, single submitter. Criteria: Ambry Variant Classification Scheme 2023. Collection method: clinical testing. Allele origin: germline.
Comment: The c.2389+5G>A intronic variant results from a G to A substitution 5 nucleotides after coding exon 15 in the FLNC gene. This nucleotide position is not well conserved in available vertebrate species. In silico splice site analysis predicts that this alteration may result in the creation or strengthening of a novel splice donor site. Based on the available evidence, the clinical significance of this variant remains unclear.

Blueprint Genetics
Classification: Uncertain significance. Last evaluated: 2023-09-26. Review status: criteria provided, single submitter. Criteria: ACMG Guidelines, 2015. Collection method: clinical testing. Allele origin: germline.

Literature cited by the submitters: PubMed 17576681 (cited by Labcorp Genetics (formerly Invitae), Labcorp); PubMed 9536098 (cited by Labcorp Genetics (formerly Invitae), Labcorp).

NM_001458.5(FLNC):c.2389+5G>A

Gene: FLNC (filamin C; plus strand). Cytogenetic location: 7q32.1.
Variant type: single nucleotide variant.
Coding change: c.2389+5G>A on transcript NM_001458.5 (MANE Select); 5 bases into the intron after coding-DNA position 2389, G replaced by A.
Molecular consequence: intron variant.
Genome position (GRCh38, 1-based): chr7:128,842,703, G>A. VCF-style: chr7-128842703-G-A. GRCh37 (hg19) VCF-style: chr7-128482757-G-A.
Other names: c.2389+5G>A (NM_001127487.2).
Identifiers: ClinVar variation 968138 (VCV000968138.10), dbSNP rs901857994, ClinGen allele CA166175262.